The following is an entry in ClinVar:

NM_004629.2(FANCG):c.1474G>C (p.Glu492Gln)

Gene: FANCG (FA complementation group G; minus strand). Cytogenetic location: 9p13.3.
Variant type: single nucleotide variant.
Coding change: c.1474G>C on transcript NM_004629.2 (MANE Select); coding-DNA position 1474, G replaced by C.
Protein change: p.Glu492Gln; replaces glutamic acid 492 with glutamine.
Molecular consequence: missense variant.
Genome position (GRCh38, 1-based): chr9:35,075,285, C>G on the plus strand (G>C on the coding strand, the complement: FANCG is on the minus strand). VCF-style: chr9-35075285-C-G. GRCh37 (hg19) VCF-style: chr9-35075282-C-G.
Other names: short protein forms E492Q.
Identifiers: ClinVar variation 582577 (VCV000582577.7), dbSNP rs1018027137, ClinGen allele CA373305610.

ClinVar aggregate classification (germline): Uncertain significance. Review status: criteria provided, multiple submitters, no conflicts (2 of 4 stars). 2 submissions from 2 submitters: Uncertain significance (2). Last evaluated 2021-10-15.

Conditions:
Fanconi anemia (FA). Also called: Fanconi's anemia. Identifiers: Orphanet 84, MedGen C0015625, MeSH D005199, MONDO:0019391.
Fanconi anemia complementation group G. Also called: FANCG-Related Fanconi Anemia; Fanconi anemia group G. Identifiers: Orphanet 84, MedGen C3469527, MONDO:0013565, OMIM 614082.

Submissions (2):

Fulgent Genetics
Classification: Uncertain significance for Fanconi anemia complementation group G. Last evaluated: 2021-10-15. Review status: criteria provided, single submitter. Criteria: ACMG Guidelines, 2015. Collection method: clinical testing. Allele origin: unknown.

Labcorp Genetics (formerly Invitae), Labcorp
Classification: Uncertain significance for Fanconi anemia. Last evaluated: 2021-09-01. Review status: criteria provided, single submitter. Criteria: Invitae Variant Classification Sherloc (09022015). Collection method: clinical testing. Allele origin: germline.
Comment: This sequence change replaces glutamic acid with glutamine at codon 492 of the FANCG protein (p.Glu492Gln). The glutamic acid residue is moderately conserved and there is a small physicochemical difference between glutamic acid and glutamine. This variant is not present in population databases (ExAC no frequency). This variant has not been reported in the literature in individuals affected with FANCG-related conditions. Algorithms developed to predict the effect of missense changes on protein structure and function (SIFT, PolyPhen-2, Align-GVGD) all suggest that this variant is likely to be tolerated. In summary, the available evidence is currently insufficient to determine the role of this variant in disease. Therefore, it has been classified as a Variant of Uncertain Significance.